The following is an entry in ClinVar:

ClinVar aggregate classification (germline): Uncertain significance (1 of 4 stars; one submission).

Conditions:
Diamond-Blackfan anemia. Also called: Blackfan Diamond syndrome; Aregenerative anemia chronic congenital; Red cell aplasia, pure hereditary; Congenital hypoplastic anemia; Aase syndrome. Identifiers: Orphanet 124, MedGen C1260899, MeSH D029503, MONDO:0015253, HP:0004810.

Submission:

Labcorp Genetics (formerly Invitae), Labcorp
Classification: Uncertain significance for Diamond-Blackfan anemia. Last evaluated: 2025-03-25. Review status: criteria provided, single submitter. Criteria: Invitae Variant Classification Sherloc (09022015). Collection method: clinical testing. Allele origin: germline.
Comment: This sequence change falls in intron 4 of the RPS24 gene. It does not directly change the encoded amino acid sequence of the RPS24 protein. It affects a nucleotide within the consensus splice site. This variant is present in population databases (rs750156207, gnomAD 0.003%). This variant has not been reported in the literature in individuals affected with RPS24-related conditions. Variants that disrupt the consensus splice site are a relatively common cause of aberrant splicing (PMID: 17576681, 9536098). Algorithms developed to predict the effect of sequence changes on RNA splicing suggest that this variant is not likely to affect RNA splicing. In summary, the available evidence is currently insufficient to determine the role of this variant in disease. Therefore, it has been classified as a Variant of Uncertain Significance.

Literature cited by the submitters: PubMed 17576681; PubMed 9536098.

NM_033022.4(RPS24):c.390+2TA[3]

Gene: RPS24 (ribosomal protein S24; plus strand). Cytogenetic location: 10q22.3.
Variant type: Microsatellite.
Coding change: c.390+2TA[3] on transcript NM_033022.4 (MANE Select); three copies in a row of the 2-base unit TA starting at c.390+2; the reference has two copies in a row; one copy, 2 bases duplicated.
Molecular consequence: splice donor variant.
Genome position (GRCh38, 1-based): chr10:78,037,308-78,037,309, TA duplicated; duplicating any 2 consecutive bases within chr10:78,037,306-78,037,309 gives the same sequence; the position shown is the placement nearest the transcript's 3' end. VCF-style (leftmost placement, unchanged base first): chr10-78037305-G-GTA. GRCh37 (hg19) VCF-style: chr10-79797063-G-GTA.
Other names: c.390+2TA[3] (NM_001142285.2, NM_001142283.2, NM_001142282.2 and 2 more transcripts).
Identifiers: ClinVar variation 4803445 (VCV004803445.1).
Genomic context (GRCh38, chr10:78,037,305, plus strand): 5'-AAGAACAGAATGAAGAAAGTCAGGGGGACTGCAAAGGCCAATGTTGGTGCTGGCAAAAAG[G>GTA]TATAGTTCATTAAGGAAAATATAGAAACGTCATTAATTGTAGGTCTTTAGTTTCTAGGAA-3'